The following is an entry in ClinVar:

ClinVar aggregate classification (germline): Uncertain significance (1 of 4 stars; one submission).

Conditions:
Fanconi anemia (FA). Also called: Fanconi's anemia. Identifiers: Orphanet 84, MedGen C0015625, MeSH D005199, MONDO:0019391.

gnomAD v4.1: 1 of 1,613,656 alleles (0.000062%); highest among the groups gnomAD compares: Non-Finnish European, 0.000085%; no homozygotes.

Submission:

Labcorp Genetics (formerly Invitae), Labcorp
Classification: Uncertain significance for Fanconi anemia. Last evaluated: 2021-10-17. Review status: criteria provided, single submitter. Criteria: Invitae Variant Classification Sherloc (09022015). Collection method: clinical testing. Allele origin: germline.
Comment: In summary, the available evidence is currently insufficient to determine the role of this variant in disease. Therefore, it has been classified as a Variant of Uncertain Significance. Advanced modeling of protein sequence and biophysical properties (such as structural, functional, and spatial information, amino acid conservation, physicochemical variation, residue mobility, and thermodynamic stability) performed at Invitae indicates that this missense variant is not expected to disrupt FANCA protein function. This variant has not been reported in the literature in individuals affected with FANCA-related conditions. This variant is not present in population databases (ExAC no frequency). This sequence change replaces alanine with threonine at codon 85 of the FANCA protein (p.Ala85Thr). The alanine residue is weakly conserved and there is a small physicochemical difference between alanine and threonine.

NM_000135.4(FANCA):c.253G>A (p.Ala85Thr)

Gene: FANCA (FA complementation group A; minus strand). Cytogenetic location: 16q24.3.
Variant type: single nucleotide variant.
Coding change: c.253G>A on transcript NM_000135.4 (MANE Select); coding-DNA position 253, G replaced by A.
Protein change: p.Ala85Thr; replaces alanine 85 with threonine.
Molecular consequence: missense variant.
Genome position (GRCh38, 1-based): chr16:89,814,550, C>T on the plus strand (G>A on the coding strand, the complement: FANCA is on the minus strand). VCF-style: chr16-89814550-C-T. GRCh37 (hg19) VCF-style: chr16-89880958-C-T.
Other names: c.253G>A, p.Ala85Thr (NM_001018112.3, NM_001286167.3, NM_001351830.2); short protein forms A85T.
Identifiers: ClinVar variation 1414440 (VCV001414440.6), dbSNP rs2143711037, ClinGen allele CA397482480.